The following is an entry in ClinVar:

NM_001904.4(CTNNB1):c.1658T>C (p.Met553Thr)

Genes: CTNNB1 (catenin beta 1; plus strand), LOC126806659 (BRD4-independent group 4 enhancer GRCh37_chr3:41274918-41276117; plus strand). Cytogenetic location: 3p22.1.
Variant type: single nucleotide variant.
Coding change: c.1658T>C on transcript NM_001904.4 (MANE Select); coding-DNA position 1658, T replaced by C.
Protein change: p.Met553Thr; replaces methionine 553 with threonine.
Molecular consequence: missense variant.
Genome position (GRCh38, 1-based): chr3:41,234,272, T>C. VCF-style: chr3-41234272-T-C. GRCh37 (hg19) VCF-style: chr3-41275763-T-C.
Other names: c.1658T>C, p.Met553Thr (NM_001098209.2, NM_001098210.2); c.1637T>C, p.Met546Thr (NM_001330729.2); short protein forms M546T, M553T.
Identifiers: ClinVar variation 1699018 (VCV001699018.3), dbSNP rs1328515384, ClinGen allele CA352234447.

ClinVar aggregate classification (germline): Uncertain significance (1 of 4 stars; one submission).

Conditions:
Severe intellectual disability-progressive spastic diplegia syndrome (NEDSDV). Also called: NEURODEVELOPMENTAL DISORDER WITH SPASTIC DIPLEGIA AND VISUAL DEFECTS; CTNNB1 Neurodevelopmental Disorder. Identifiers: Orphanet 404473, MedGen C3554449, MONDO:0014035, OMIM 615075.

Allele frequency attached by ClinVar (database versions not stated): gnomAD exomes below 0.00001.
gnomAD v4.1: 2 of 1,614,204 alleles (0.00012%); highest among the groups gnomAD compares: Non-Finnish European, 0.00017%; no homozygotes.

Submission:

Victorian Clinical Genetics Services, Murdoch Childrens Research Institute
Classification: Uncertain significance for Severe intellectual disability-progressive spastic diplegia syndrome. Last evaluated: 2022-02-02. Review status: criteria provided, single submitter. Criteria: ACMG Guidelines, 2015. Collection method: clinical testing. Allele origin: germline. Inheritance: Autosomal dominant inheritance. Affected: yes.
Comment: Based on the classification scheme VCGS_Germline_v1.3.4, this variant is classified as VUS-3B. Following criteria are met: 0102 - Loss of function is a known mechanism of disease in this gene and is associated with exudative vitreoretinopathy 7 (MIM#617572) and neurodevelopmental disorder with spastic diplegia and visual defects (MIM#615075). (I) 0107 - This gene is associated with autosomal dominant disease. (I) 0200 - Variant is predicted to result in a missense amino acid change from methionine to threonine. (I) 0251 - This variant is heterozygous. (I) 0301 - Variant is absent from gnomAD (both v2 and v3). (SP) 0309 - An alternative amino acid change at the same position has been observed in gnomAD (v2) (11 heterozygotes, 0 homozygotes). (I) 0503 - Missense variant consistently predicted to be tolerated by multiple in silico tools or not conserved in placental mammals with a minor amino acid change. (SB) 0600 - Variant is located in the annotated armadillo repeat motif (NCBI Conserved Domain). (I) 0705 - No comparable missense variants have previous evidence for pathogenicity. (I) 0807 - This variant has no previous evidence of pathogenicity. (I) 0905 - No published segregation evidence has been identified for this variant. (I) 1007 - No published functional evidence has been identified for this variant. (I) 1208 - Inheritance information for this variant is not currently available in this individual. (I) Legend: (SP) - Supporting pathogenic, (I) - Information, (SB) - Supporting benign